The following is an entry in ClinVar:

ClinVar aggregate classification (germline): Uncertain significance (1 of 4 stars; one submission).

Submission:

Women's Health and Genetics/Laboratory Corporation of America, LabCorp
Classification: Uncertain significance. Last evaluated: 2026-02-02. Review status: criteria provided, single submitter. Criteria: LabCorp Variant Classification Summary - May 2015. Collection method: clinical testing. Allele origin: germline.
Comment: Variant summary: DOCK7 c.732+4delT alters a conserved nucleotide located close to a canonical splice site and therefore could affect mRNA splicing, leading to a significantly altered protein sequence. Consensus agreement among computation tools predict no significant impact on normal splicing. However, these predictions have yet to be confirmed by functional studies. The variant was absent in 247678 control chromosomes. The available data on variant occurrences in the general population are insufficient to allow any conclusion about variant significance. To our knowledge, no occurrence of c.732+4delT in individuals affected with DOCK7-related conditions and no experimental evidence demonstrating its impact on protein function have been reported. No submitters have cited clinical-significance assessments for this variant to ClinVar. Based on the evidence outlined above, the variant was classified as uncertain significance.

NM_001367561.1(DOCK7):c.732+4del

Gene: DOCK7 (dedicator of cytokinesis 7; minus strand). Cytogenetic location: 1p31.3.
Variant type: Deletion.
Coding change: c.732+4del on transcript NM_001367561.1 (MANE Select); 4 bases into the intron after coding-DNA position 732, one base deleted (T; older notation c.732+4delT).
Molecular consequence: intron variant.
Genome position (GRCh38, 1-based): chr1:62,648,102, A deleted on the plus strand (T on the coding strand, the reverse complement: DOCK7 is on the minus strand). VCF-style (leftmost placement, unchanged base first): chr1-62648101-TA-T. GRCh37 (hg19) VCF-style: chr1-63113772-TA-T.
Other names: c.732+4del (NM_001272001.2, NM_001272000.2, NM_033407.4 and 3 more transcripts); c.732+4delT (NM_033407.4).
Identifiers: ClinVar variation 4848122 (VCV004848122.1).